The following is an entry in ClinVar:

ClinVar aggregate classification (germline): Conflicting classifications of pathogenicity. Review status: criteria provided, conflicting classifications (1 of 4 stars). 12 submissions from 12 submitters: Uncertain significance (9); Likely benign (1). 2 of the submissions do not count toward it. Last evaluated 2026-02-11.

Conditions:
BRCA2-related cancer predisposition. Identifiers: MedGen CN377758, MONDO:0700269.
Hereditary cancer-predisposing syndrome. Also called: Hereditary neoplastic syndrome; Neoplastic Syndromes, Hereditary; Hereditary Cancer Syndrome; Tumor predisposition. Identifiers: Orphanet 140162, MedGen C0027672, MeSH D009386, MONDO:0015356.
Hereditary breast ovarian cancer syndrome. Also called: Hereditary breast and ovarian cancer syndrome (HBOC); Breast and ovarian cancer; Hereditary breast and ovarian cancer syndrome; BRCA1- and BRCA2-Associated Hereditary Breast and Ovarian Cancer; Hereditary breast and/or ovarian cancer syndrome; Hereditary breast and ovarian cancer. Identifiers: Orphanet 145, MedGen C0677776, MeSH D061325, MONDO:0003582. Disease mechanism: loss of function.
Breast-ovarian cancer, familial, susceptibility to, 2 (BROVCA2). Also called: BRCA2 Hereditary Breast and Ovarian Cancer. Identifiers: Orphanet 145, MedGen C2675520, MONDO:0012933, OMIM 612555. Disease mechanism: loss of function.

Allele frequency attached by ClinVar (database versions not stated): TOPMed below 0.00001; ExAC 0.00001; gnomAD 0.00001; gnomAD exomes 0.00001.
gnomAD v4.1: 4 of 1,593,962 alleles (0.00025%); highest among the groups gnomAD compares: Admixed American, 0.0018%; no homozygotes.

Submissions (12):

Women's Health and Genetics/Laboratory Corporation of America, LabCorp
Classification: Uncertain significance. Last evaluated: 2026-02-11. Review status: criteria provided, single submitter. Criteria: LabCorp Variant Classification Summary - May 2015. Collection method: clinical testing. Allele origin: germline.
Comment: Variant summary: BRCA2 c.3245A>G (p.Lys1082Arg) results in a conservative amino acid change in the encoded protein sequence. Algorithms developed to predict the effect of missense changes on protein structure and function all suggest that this variant is likely to be tolerated. The variant allele was found at a frequency of 8.4e-06 in 236710 control chromosomes. The available data on variant occurrences in the general population are insufficient to allow any conclusion about variant significance. c.3245A>G has been reported in individuals affected with breast and/or ovarian cancer without strong evidence of causality (Gao_2020, de Oliveira_2022). These reports do not provide unequivocal conclusions about association of the variant with Hereditary Breast And Ovarian Cancer Syndrome. To our knowledge, no experimental evidence demonstrating an impact on protein function has been reported. The following publications have been ascertained in the context of this evaluation (PMID: 31825140, 35534704). ClinVar contains an entry for this variant (Variation ID: 51431). Based on the evidence outlined above, the variant was classified as uncertain significance.

Labcorp Genetics (formerly Invitae), Labcorp
Classification: Uncertain significance for Hereditary breast ovarian cancer syndrome. Last evaluated: 2025-10-13. Review status: criteria provided, single submitter. Criteria: Invitae Variant Classification Sherloc (09022015). Collection method: clinical testing. Allele origin: germline.
Comment: This sequence change replaces lysine, which is basic and polar, with arginine, which is basic and polar, at codon 1082 of the BRCA2 protein (p.Lys1082Arg). This variant is present in population databases (rs80358569, gnomAD 0.003%). This missense change has been observed in individual(s) with breast and ovarian cancer (PMID: 31825140, 35534704). ClinVar contains an entry for this variant (Variation ID: 51431). Invitae Evidence Modeling of protein sequence and biophysical properties (such as structural, functional, and spatial information, amino acid conservation, physicochemical variation, residue mobility, and thermodynamic stability) indicates that this missense variant is not expected to disrupt BRCA2 protein function with a negative predictive value of 95%. In summary, the available evidence is currently insufficient to determine the role of this variant in disease. Therefore, it has been classified as a Variant of Uncertain Significance.

Ambry Genetics
Classification: Uncertain significance for Hereditary cancer-predisposing syndrome. Last evaluated: 2025-06-04. Review status: criteria provided, single submitter. Criteria: Ambry Variant Classification Scheme 2023. Collection method: clinical testing. Allele origin: germline.
Comment: The p.K1082R variant (also known as c.3245A>G), located in coding exon 10 of the BRCA2 gene, results from an A to G substitution at nucleotide position 3245. The lysine at codon 1082 is replaced by arginine, an amino acid with highly similar properties. This variant has been reported in several individuals with breast cancer (de Oliveira JM et al. Eur J Hum Genet, 2022 Jul;30:818-823; Stella S et al. Genes (Basel), 2024 Jul;15:), however the variant was predicted as tolerated by multiple in silico tools in one study (Stella S et al. Genes (Basel), 2024 Jul;15:), and was classified as Likely Benign by authors of another study based on the fact that it lies outside of known functional domains in BRCA2 (Fortuno C et al. Eur J Hum Genet, 2024 Dec;32:1632-1639). This amino acid position is poorly conserved in available vertebrate species. In addition, this alteration is predicted to be tolerated by in silico analysis. Based on the available evidence, the clinical significance of this variant remains unclear.

Quest Diagnostics Nichols Institute San Juan Capistrano
Classification: Uncertain significance. Last evaluated: 2025-01-28. Review status: criteria provided, single submitter. Criteria: Quest Diagnostics criteria. Collection method: clinical testing. Allele origin: unknown.
Comment: The BRCA2 c.3245A>G (p.Lys1082Arg) variant has been reported in individuals with breast and/or ovarian cancer (PMID: 31825140 (2019), 35534704 (2022)). This variant has been reported to be located in a region of the BRCA2 gene that is tolerant to missense sequence changes (PMID: 31911673 (2020)). The frequency of this variant in the general population (Genome Aggregation Database) is uninformative in the assessment of its pathogenicity. Analysis of this variant using bioinformatics tools for the prediction of the effect of amino acid changes on protein structure and function yielded predictions that this variant is benign. Based on the available information, we are unable to determine the clinical significance of this variant.

All of Us Research Program, National Institutes of Health
Classification: Uncertain significance for BRCA2-related cancer predisposition. Last evaluated: 2024-08-13. Review status: criteria provided, single submitter. Criteria: ACMG Guidelines, 2015. Collection method: clinical testing. Allele origin: germline. Inheritance: Autosomal dominant inheritance. Observed: 7 variant alleles, 7 heterozygotes.
Comment: This missense variant replaces lysine with arginine at codon 1082 of the BRCA2 protein. Computational prediction suggests that this variant may not impact protein structure and function (internally defined REVEL score threshold <= 0.5, PMID: 27666373). To our knowledge, functional studies have not been reported for this variant. This variant has been reported in an individual affected with breast or ovarian cancer (PMID: 31825140). This variant has been identified in 2/236710 chromosomes in the general population by the Genome Aggregation Database (gnomAD). The available evidence is insufficient to determine the role of this variant in disease conclusively. Therefore, this variant is classified as a Variant of Uncertain Significance.

This study involves interpretation of variants in research participants for the purpose of population health screening. Participant phenotype was not available at the time of variant classification. Additional details can be found in publication PMID: 35346344, PMCID: PMC8962531

Color Diagnostics, LLC DBA Color Health
Classification: Uncertain significance for Hereditary cancer-predisposing syndrome. Last evaluated: 2024-03-29. Review status: criteria provided, single submitter. Criteria: ACMG Guidelines, 2015. Collection method: clinical testing. Allele origin: germline.
Comment: This missense variant replaces lysine with arginine at codon 1082 of the BRCA2 protein. Computational prediction suggests that this variant may not impact protein structure and function. To our knowledge, functional studies have not been reported for this variant. This variant has been reported in a individuals affected with breast or ovarian cancer (PMID: 31825140, 35534704). This variant has been identified in 2/236710 chromosomes in the general population by the Genome Aggregation Database (gnomAD). The available evidence is insufficient to determine the role of this variant in disease conclusively. Therefore, this variant is classified as a Variant of Uncertain Significance.

University of Washington Department of Laboratory Medicine, University of Washington
Classification: Likely benign for Hereditary cancer-predisposing syndrome. Last evaluated: 2023-03-23. Review status: criteria provided, single submitter. Criteria: Dines et al. (Genet Med. 2020). Collection method: curation. Allele origin: germline.
Comment: Missense variant in a coldspot region where missense variants are very unlikely to be pathogenic (PMID:31911673).

BRCA2 exon 11 coldspot. Reclassification based on statistical prior probability.

Sema4
Classification: Uncertain significance for Hereditary cancer-predisposing syndrome. Last evaluated: 2021-04-23. Review status: criteria provided, single submitter. Criteria: Sema4 Curation Guidelines. Collection method: curation. Allele origin: germline.
Comment: To the best of our knowledge, the BRCA2 c.3245A>G (p.K1082R) variant has not been reported in individuals with BRCA2-related disease. This variant was observed in 2/236710 chromosomes from large and broad populations by the Genome Aggregation Database (PMID: 32461654) and has been reported in ClinVar (Variation ID: 51431). In silico tools suggest the impact of the variant on protein function is benign, though these predictions have not been confirmed by functional studies. Based on the current evidence available, this variant is interpreted as a variant of uncertain significance.

Mendelics
Classification: Uncertain significance for Breast-ovarian cancer, familial, susceptibility to, 2. Last evaluated: 2019-05-28. Review status: criteria provided, single submitter. Criteria: Mendelics Assertion Criteria 2017. Collection method: clinical testing. Allele origin: unknown.

GeneDx
Classification: Uncertain significance. Last evaluated: 2016-08-03. Review status: criteria provided, single submitter. Criteria: GeneDx Variant Classification (06012015). Collection method: clinical testing. Allele origin: germline. Affected: yes.
Comment: This variant is denoted BRCA2 c.3245A>G at the cDNA level, p.Lys1082Arg (K1082R) at the protein level, and results in the change of a Lysine to an Arginine (AAA>AGA). Using alternate nomenclature, this variant would be defined as BRCA2 3473A>G. This variant has not, to our knowledge, been published in the literature as pathogenic or benign. BRCA2 Lys1082Arg was not observed in approximately 6,500 individuals of European and African American ancestry in the NHLBI Exome Sequencing Project, suggesting it is not a common benign variant in these populations. Since Lysine and Arginine share similar properties, this is considered a conservative amino acid substitution. BRCA2 Lys1082Arg occurs at a position that is not conserved and is located in the RAD51 binding domain (Roy 2012). In silico analyses predict that this variant is unlikely to alter protein structure or function. Based on currently available evidence, it is unclear whether BRCA2 Lys1082Arg is a pathogenic or benign variant. We consider it to be a variant of uncertain significance.

Counsyl
Classification: Uncertain significance for Breast-ovarian cancer, familial, susceptibility to, 2. Last evaluated: 2018-05-14. Review status: no assertion criteria provided. Collection method: clinical testing. Allele origin: unknown. Not counted in ClinVar's aggregate classification.

Breast Cancer Information Core (BIC) (BRCA2)
Classification: Uncertain significance for Breast-ovarian cancer, familial 2. Last evaluated: 2002-05-29. Review status: no assertion criteria provided. Collection method: clinical testing. Allele origin: germline. Affected: yes. Observed: 3 variant alleles. Not counted in ClinVar's aggregate classification.

Literature cited by the submitters: PubMed 31825140 (cited by 5 submitters); PubMed 35534704 (cited by 5 submitters); PubMed 39062721 (cited by Ambry Genetics); PubMed 39402389 (cited by Ambry Genetics); PubMed 31911673 (cited by Quest Diagnostics Nichols Institute San Juan Capistrano); PubMed 31853058 (cited by Quest Diagnostics Nichols Institute San Juan Capistrano); PubMed 26295337 (cited by Quest Diagnostics Nichols Institute San Juan Capistrano).

NM_000059.4(BRCA2):c.3245A>G (p.Lys1082Arg)

Gene: BRCA2 (BRCA2 DNA repair associated; plus strand). Cytogenetic location: 13q13.1.
Variant type: single nucleotide variant.
Coding change: c.3245A>G on transcript NM_000059.4 (MANE Select); coding-DNA position 3245, A replaced by G.
Protein change: p.Lys1082Arg; replaces lysine 1082 with arginine.
Molecular consequence: missense variant.
Genome position (GRCh38, 1-based): chr13:32,337,600, A>G. VCF-style: chr13-32337600-A-G. GRCh37 (hg19) VCF-style: chr13-32911737-A-G.
Other names: p.K1082R:AAA>AGA; short protein forms K1082R.
Identifiers: ClinVar variation 51431 (VCV000051431.30), dbSNP rs80358569, ClinGen allele CA017616.